The following is an entry in ClinVar:

ClinVar aggregate classification (germline): Pathogenic/Likely pathogenic. Review status: criteria provided, multiple submitters, no conflicts (2 of 4 stars). 15 submissions from 15 submitters: Pathogenic (10); Likely pathogenic (2). 3 of the submissions do not count toward it. Last evaluated 2025-11-18.

Conditions:
COQ4-related disorder. Also called: COQ4-related condition.
Inborn genetic diseases. Identifiers: MedGen C0950123, MeSH D030342.
Neonatal encephalomyopathy-cardiomyopathy-respiratory distress syndrome. Also called: Coenzyme Q10 deficiency, primary, 7. Identifiers: Orphanet 457185, MedGen C5568562, MONDO:0014562, OMIM 616276.
Spastic ataxia 10, autosomal recessive (SPAX10). Identifiers: MedGen C5882738, MONDO:0958009, OMIM 620666.
Spastic ataxia. Identifiers: HP:0002497, Orphanet 316226, MedGen C1849156, MONDO:0017845.

Allele frequency attached by ClinVar (database versions not stated): TOPMed 0.00017; gnomAD exomes 0.00020 and 0.00008; ExAC 0.00024; gnomAD 0.00015 and 0.00017; ESP Exome Variant Server 0.00031.
gnomAD v4.1: 148 of 1,610,312 alleles (0.0092%); highest among the groups gnomAD compares: Admixed American, 0.01%; no homozygotes.

Submissions (15):

Labcorp Genetics (formerly Invitae), Labcorp
Classification: Pathogenic for Neonatal encephalomyopathy-cardiomyopathy-respiratory distress syndrome. Last evaluated: 2025-11-18. Review status: criteria provided, single submitter. Criteria: Invitae Variant Classification Sherloc (09022015). Collection method: clinical testing. Allele origin: germline.
Comment: This sequence change replaces arginine, which is basic and polar, with cysteine, which is neutral and slightly polar, at codon 240 of the COQ4 protein (p.Arg240Cys). This variant is present in population databases (rs143441644, gnomAD 0.3%). This missense change has been observed in individual(s) with COQ4-related conditions (PMID: 25658047, 26185144, 32718099, 33704555). In at least one individual the data is consistent with being in trans (on the opposite chromosome) from a pathogenic variant. ClinVar contains an entry for this variant (Variation ID: 189201). Invitae Evidence Modeling of protein sequence and biophysical properties (such as structural, functional, and spatial information, amino acid conservation, physicochemical variation, residue mobility, and thermodynamic stability) has been performed for this missense variant. However, the output from this modeling did not meet the statistical confidence thresholds required to predict the impact of this variant on COQ4 protein function. Experimental studies have shown that this missense change affects COQ4 function (PMID: 26185144, 33704555). For these reasons, this variant has been classified as Pathogenic.

Department of Pediatrics, Jichi Medical University
Classification: Pathogenic for Neonatal encephalomyopathy-cardiomyopathy-respiratory distress syndrome. Last evaluated: 2024-09-30. Review status: criteria provided, single submitter. Criteria: ACMG Guidelines, 2015. Collection method: research. Allele origin: inherited. Affected: yes.

Institute of Medical Genetics and Applied Genomics, University Hospital Tübingen
Classification: Pathogenic for Neonatal encephalomyopathy-cardiomyopathy-respiratory distress syndrome. Last evaluated: 2024-09-02. Review status: criteria provided, single submitter. Criteria: ACMG Guidelines, 2015. Collection method: clinical testing. Allele origin: germline. Inheritance: Autosomal recessive inheritance. Affected: yes.

Fulgent Genetics
Classification: Pathogenic for Neonatal encephalomyopathy-cardiomyopathy-respiratory distress syndrome; Spastic ataxia 10, autosomal recessive. Last evaluated: 2024-04-15. Review status: criteria provided, single submitter. Criteria: ACMG Guidelines, 2015. Collection method: clinical testing. Allele origin: germline.

Mayo Clinic Laboratories, Mayo Clinic
Classification: Pathogenic. Last evaluated: 2024-01-09. Review status: criteria provided, single submitter. Criteria: ACMG Guidelines, 2015. Collection method: clinical testing. Allele origin: germline.
Comment: PP3, PM2_moderate, PM3_strong, PS3, PS4_moderate

Revvity Omics, Revvity
Classification: Likely pathogenic for Neonatal encephalomyopathy-cardiomyopathy-respiratory distress syndrome. Last evaluated: 2023-06-02. Review status: criteria provided, single submitter. Criteria: ACMG Guidelines, 2015. Collection method: clinical testing. Allele origin: germline.

GeneDx
Classification: Pathogenic. Last evaluated: 2022-11-10. Review status: criteria provided, single submitter. Criteria: GeneDx Variant Classification Process June 2021. Collection method: clinical testing. Allele origin: germline. Affected: yes.
Comment: Functional studies find that p.(R240C) significantly impairs oxidative growth in a recombinant yeast model (Brea-Calvo G et al., 2015).; In silico analysis supports that this missense variant has a deleterious effect on protein structure/function; This variant is associated with the following publications: (PMID: 26185144, 25658047, 28540186, 33704555, 34440436, 31589614, 32746448, 33726816, 31967322, 29255295, 32718099, 30642647)

Ambry Genetics
Classification: Pathogenic for Inborn genetic diseases. Last evaluated: 2022-05-05. Review status: criteria provided, single submitter. Criteria: Ambry Variant Classification Scheme 2023. Collection method: clinical testing. Allele origin: germline.
Comment: The c.718C>T (p.R240C) alteration is located in exon 7 (coding exon 7) of the COQ4 gene. This alteration results from a C to T substitution at nucleotide position 718, causing the arginine (R) at amino acid position 240 to be replaced by a cysteine (C). Based on data from gnomAD, the T allele has an overall frequency of 0.02% (50/278786) total alleles studied. The highest observed frequency was 0.34% (35/10230) of Ashkenazi Jewish alleles. This alteration has been detected in the homozygous state and in trans with other pathogenic COQ4 alterations in multiple individuals with COQ4-related primary coenzyme Q10 deficiency (Brea-Calvo, 2015; Chung, 2015; de Castro, 2020; Galatolo, 2021; Mero, 2021; Barbosa-Gouveia, 2021). This amino acid position is highly conserved in available vertebrate species. In functional studies involving a recombinant yeast model, human COQ4 with the R240C variant was unable to rescue loss of yeast COQ4 (Brea-Calvo, 2015). The in silico prediction for this alteration is inconclusive. Based on the available evidence, this alteration is classified as pathogenic.

New York Genome Center
Classification: Likely pathogenic for Neonatal encephalomyopathy-cardiomyopathy-respiratory distress syndrome. Last evaluated: 2021-08-27. Review status: criteria provided, single submitter. Criteria: NYGC Assertion Criteria 2020. Collection method: clinical testing. Allele origin: inherited. Observed: 1 heterozygote. Study: CSER-NYCKidSeq.

Molecular Medicine for Neurodegenerative and Neuromuscular Diseases Unit, IRCCS Fondazione Stella Maris
Classification: Pathogenic for Spastic ataxia. Last evaluated: 2021-01-04. Review status: criteria provided, single submitter. Criteria: ACMG Guidelines, 2015. Collection method: research. Allele origin: inherited. Affected: yes.

Institute of Human Genetics Munich, TUM University Hospital
Classification: Pathogenic for Neonatal encephalomyopathy-cardiomyopathy-respiratory distress syndrome. Last evaluated: 2017-10-19. Review status: criteria provided, single submitter. Criteria: Classification criteria August 2017. Collection method: clinical testing. Allele origin: maternal. Inheritance: Autosomal recessive inheritance. Affected: yes. Observed: 1 compound heterozygote.

Juno Genomics, Hangzhou Juno Genomics, Inc
Classification: Pathogenic for Neonatal encephalomyopathy-cardiomyopathy-respiratory distress syndrome. Review status: criteria provided, single submitter. Criteria: ACMG Guidelines, 2015. Collection method: clinical testing. Allele origin: germline.
Comment: Absent from controls (or at extremely low frequency if recessive) in Genome Aggregation Database.;Well-established in vitro or in vivo functional studies supportive of a damaging effect on the gene or gene product.;For recessive disorders, detected in trans with a pathogenic variant.;Patient's phenotype or family history is highly specific for a disease with a single genetic etiology.

PreventionGenetics, part of Exact Sciences
Classification: Pathogenic for COQ4-related condition. Last evaluated: 2024-07-16. Review status: no assertion criteria provided. Collection method: clinical testing. Allele origin: germline. Not counted in ClinVar's aggregate classification.
Comment: The COQ4 c.718C>T variant is predicted to result in the amino acid substitution p.Arg240Cys. This variant has been reported in the homozygous and compound heterozygous states in multiple individuals with Coenzyme Q10 deficiency (see for example Brea-Calvo et al. 2015. PubMed ID: 25658047; Chung et al. 2015. PubMed ID: 26185144; de Castro et al. 2020. PubMed ID: 32718099). Functional characterization suggests that this variant has a deleterious effect on the protein (Brea-Calvo et al. 2015. PubMed ID: 25658047). This variant is reported in 0.34% of alleles in individuals of Ashkenazi Jewish descent in gnomAD. This variant is interpreted as pathogenic.

OMIM
Classification: Pathogenic for COENZYME Q10 DEFICIENCY, PRIMARY, 7. Last evaluated: 2015-02-05. Review status: no assertion criteria provided. Collection method: literature only. Allele origin: germline. Not counted in ClinVar's aggregate classification.

GeneReviews
No classification provided. Condition: Neonatal encephalomyopathy-cardiomyopathy-respiratory distress syndrome. Review status: no classification provided. Collection method: literature only. Allele origin: germline. Not counted in ClinVar's aggregate classification.

Literature cited by the submitters: PubMed 25658047 (cited by 4 submitters); PubMed 26185144 (cited by 4 submitters); PubMed 32718099 (cited by Labcorp Genetics (formerly Invitae), Labcorp and Ambry Genetics); PubMed 33704555 (cited by 4 submitters); PubMed 31967322 (cited by Mayo Clinic Laboratories, Mayo Clinic); PubMed 34445196 (cited by Mayo Clinic Laboratories, Mayo Clinic and Ambry Genetics); PubMed 34440436 (cited by Ambry Genetics); NCBI Bookshelf NBK410087 (cited by GeneReviews).

NM_016035.5(COQ4):c.718C>T (p.Arg240Cys)

Gene: COQ4 (coenzyme Q4; plus strand). Cytogenetic location: 9q34.11.
Variant type: single nucleotide variant.
Coding change: c.718C>T on transcript NM_016035.5 (MANE Select); coding-DNA position 718, C replaced by T.
Protein change: p.Arg240Cys; replaces arginine 240 with cysteine.
Molecular consequence: missense variant. On other transcripts: 3 prime UTR variant (1).
Genome position (GRCh38, 1-based): chr9:128,333,565, C>T. VCF-style: chr9-128333565-C-T. GRCh37 (hg19) VCF-style: chr9-131095844-C-T.
Other names: COQ4, ARG240CYS (rs143441644); p.(Arg240Cys); c.*94C>T (NM_001305942.2); short protein forms R240C.
Identifiers: ClinVar variation 189201 (VCV000189201.33), dbSNP rs143441644, ClinGen allele CA199144.